The following is an entry in ClinVar:

ClinVar aggregate classification (germline): Uncertain significance (1 of 4 stars; one submission).

gnomAD v4.1: 2 of 1,614,180 alleles (0.00012%); highest among the groups gnomAD compares: Non-Finnish European, 0.00017%; no homozygotes.

Submission:

Labcorp Genetics (formerly Invitae), Labcorp
Classification: Uncertain significance. Last evaluated: 2024-07-31. Review status: criteria provided, single submitter. Criteria: Invitae Variant Classification Sherloc (09022015). Collection method: clinical testing. Allele origin: germline.
Comment: This sequence change replaces alanine, which is neutral and non-polar, with threonine, which is neutral and polar, at codon 186 of the CSF2RB protein (p.Ala186Thr). This variant is not present in population databases (gnomAD no frequency). This variant has not been reported in the literature in individuals affected with CSF2RB-related conditions. Advanced modeling of protein sequence and biophysical properties (such as structural, functional, and spatial information, amino acid conservation, physicochemical variation, residue mobility, and thermodynamic stability) performed at Invitae indicates that this missense variant is not expected to disrupt CSF2RB protein function with a negative predictive value of 80%. In summary, the available evidence is currently insufficient to determine the role of this variant in disease. Therefore, it has been classified as a Variant of Uncertain Significance.

NM_000395.3(CSF2RB):c.556G>A (p.Ala186Thr)

Gene: CSF2RB (colony stimulating factor 2 receptor subunit beta; plus strand). Cytogenetic location: 22q12.3.
Variant type: single nucleotide variant.
Coding change: c.556G>A on transcript NM_000395.3 (MANE Select); coding-DNA position 556, G replaced by A.
Protein change: p.Ala186Thr; replaces alanine 186 with threonine.
Molecular consequence: missense variant.
Genome position (GRCh38, 1-based): chr22:36,929,645, G>A. VCF-style: chr22-36929645-G-A. GRCh37 (hg19) VCF-style: chr22-37325687-G-A.
Other names: c.556G>A, p.Ala186Thr (NM_001410827.1); short protein forms A186T.
Identifiers: ClinVar variation 3661089 (VCV003661089.2).